The following is an entry in ClinVar:

NM_001369.3(DNAH5):c.12625delinsTTTAGAAAGCA (p.Pro4209fs)

Gene: DNAH5 (dynein axonemal heavy chain 5; minus strand). Cytogenetic location: 5p15.2.
Variant type: Indel.
Coding change: c.12625delinsTTTAGAAAGCA on transcript NM_001369.3 (MANE Select); coding-DNA position 12625, C replaced by TTTAGAAAGCA.
Protein change: p.Pro4209fs; shifts the reading frame from proline 4209.
Molecular consequence: frameshift variant.
Genome position (GRCh38, 1-based): chr5:13,717,395, G replaced by TGCTTTCTAAA on the plus strand (C replaced by TTTAGAAAGCA on the coding strand, the reverse complement: DNAH5 is on the minus strand). VCF-style: chr5-13717395-G-TGCTTTCTAAA. GRCh37 (hg19) VCF-style: chr5-13717504-G-TGCTTTCTAAA.
Other names: short protein forms P4209fs.
Identifiers: ClinVar variation 5010545 (VCV005010545.1).

ClinVar aggregate classification (germline): Pathogenic (1 of 4 stars; one submission).

Conditions:
Primary ciliary dyskinesia 3. Identifiers: Orphanet 244, MedGen C1837618, MONDO:0012085, OMIM 608644.

Submission:

Myriad Genetics, Inc.
Classification: Pathogenic for Primary ciliary dyskinesia 3. Last evaluated: 2024-05-14. Review status: criteria provided, single submitter. Criteria: Myriad Autosomal Dominant, Autosomal Recessive and X-Linked Classification Criteria (2023). Collection method: clinical testing. Allele origin: unknown.
Comment: NM_001369.2(DNAH5):c.12625del1ins11(P4209Ffs*8) is expected to be pathogenic in the context of primary ciliary dyskinesia, DNAH5-related. This variant is predicted to lead to an abnormal or absent protein product due to the creation of a premature termination codon in DNAH5, a gene where loss-of-function variants are known to be pathogenic. Please note: this variant was assessed in the context of healthy population screening.